The following is an entry in ClinVar:

ClinVar aggregate classification (germline): Uncertain significance (1 of 4 stars; one submission).

Allele frequency attached by ClinVar (database versions not stated): gnomAD exomes below 0.00001; TOPMed below 0.00001.
gnomAD v4.1: 1 of 1,613,472 alleles (0.000062%); highest among the groups gnomAD compares: African/African-American, 0.0013%; no homozygotes.

Submission:

Labcorp Genetics (formerly Invitae), Labcorp
Classification: Uncertain significance. Last evaluated: 2022-06-11. Review status: criteria provided, single submitter. Criteria: Invitae Variant Classification Sherloc (09022015). Collection method: clinical testing. Allele origin: germline.
Comment: In summary, the available evidence is currently insufficient to determine the role of this variant in disease. Therefore, it has been classified as a Variant of Uncertain Significance. Algorithms developed to predict the effect of missense changes on protein structure and function are either unavailable or do not agree on the potential impact of this missense change (SIFT: "Not Available"; PolyPhen-2: "Benign"; Align-GVGD: "Not Available"). This variant has not been reported in the literature in individuals affected with GATAD2B-related conditions. This variant is not present in population databases (gnomAD no frequency). This sequence change replaces alanine, which is neutral and non-polar, with valine, which is neutral and non-polar, at codon 109 of the GATAD2B protein (p.Ala109Val).

NM_020699.4(GATAD2B):c.326C>T (p.Ala109Val)

Gene: GATAD2B (GATA zinc finger domain containing 2B; minus strand). Cytogenetic location: 1q21.3.
Variant type: single nucleotide variant.
Coding change: c.326C>T on transcript NM_020699.4 (MANE Select); coding-DNA position 326, C replaced by T.
Protein change: p.Ala109Val; replaces alanine 109 with valine.
Molecular consequence: missense variant.
Genome position (GRCh38, 1-based): chr1:153,828,022, G>A on the plus strand (C>T on the coding strand, the complement: GATAD2B is on the minus strand). VCF-style: chr1-153828022-G-A. GRCh37 (hg19) VCF-style: chr1-153800498-G-A.
Other names: short protein forms A109V.
Identifiers: ClinVar variation 1951806 (VCV001951806.5), dbSNP rs1423354307, ClinGen allele CA342539680.